The following is an entry in ClinVar:

ClinVar aggregate classification (germline): Likely benign. Review status: criteria provided, multiple submitters, no conflicts (2 of 4 stars). 2 submissions from 2 submitters: Likely benign (2). Last evaluated 2025-12-13.

Conditions:
Developmental and epileptic encephalopathy, 25 (DEE25). Also called: Developmental and epileptic encephalopathy 25, with amelogenesis imperfecta; Epileptic encephalopathy, early infantile, 25, with amelogenesis imperfecta; Epileptic encephalopathy, early infantile, 25. Identifiers: Orphanet 442835, MedGen C4014621, MONDO:0014392, OMIM 615905.

Allele frequency attached by ClinVar (database versions not stated): gnomAD 0.00001 and 0.00002; gnomAD exomes 0.00001; ExAC 0.00002; TOPMed 0.00002; ESP Exome Variant Server 0.00008; 1000 Genomes Project 30x 0.00016; 1000 Genomes Project 0.00020.
gnomAD v4.1: 17 of 1,608,754 alleles (0.0011%); highest among the groups gnomAD compares: African/African-American, 0.0027%; no homozygotes.

Submissions (2):

Labcorp Genetics (formerly Invitae), Labcorp
Classification: Likely benign for Developmental and epileptic encephalopathy, 25. Last evaluated: 2025-12-13. Review status: criteria provided, single submitter. Criteria: Invitae Variant Classification Sherloc (09022015). Collection method: clinical testing. Allele origin: germline.

GeneDx
Classification: Likely benign. Last evaluated: 2017-12-05. Review status: criteria provided, single submitter. Criteria: GeneDx Variant Classification (06012015). Collection method: clinical testing. Allele origin: germline. Affected: yes.
Comment: This variant is considered likely benign or benign based on one or more of the following criteria: it is a conservative change, it occurs at a poorly conserved position in the protein, it is predicted to be benign by multiple in silico algorithms, and/or has population frequency not consistent with disease.

NM_177550.5(SLC13A5):c.1065C>T (p.Ser355=)

Gene: SLC13A5 (solute carrier family 13 member 5; minus strand). Cytogenetic location: 17p13.1.
Variant type: single nucleotide variant.
Coding change: c.1065C>T on transcript NM_177550.5 (MANE Select); coding-DNA position 1065, C replaced by T.
Protein change: p.Ser355=; no amino-acid change (serine 355 retained).
Molecular consequence: synonymous variant.
Genome position (GRCh38, 1-based): chr17:6,694,188, G>A on the plus strand (C>T on the coding strand, the complement: SLC13A5 is on the minus strand). VCF-style: chr17-6694188-G-A. GRCh37 (hg19) VCF-style: chr17-6597507-G-A.
Other names: c.1065C>T, p.Ser355= (NM_001143838.3); c.1014C>T, p.Ser338= (NM_001284509.2); c.936C>T, p.Ser312= (NM_001284510.2).
Identifiers: ClinVar variation 475190 (VCV000475190.12), dbSNP rs140940366, ClinGen allele CA8331525.
Genomic context (GRCh38, chr17:6,694,188, plus strand): 5'-GGGCTTCTGTGAAGGCACAATGAATAGCAGGGTGGCCACAAAGATGGCCACAGTGGCATC[G>A]GAGACATACCTAGGTGGGGAAAAGCACAGCTCATCTGCGACAGAGACAGTCACTCAACAA-3'
Protein context (NP_808218.1, residues 345-365): AWVEGETKYV[Ser355=]DATVAIFVAT